The following is an entry in ClinVar:

ClinVar aggregate classification (germline): Uncertain significance (1 of 4 stars; one submission).

Conditions:
Dystonic disorder. Also called: Dystonia. Identifiers: MedGen C0013421, MONDO:0003441, HP:0001332.

gnomAD v4.1: 2 of 1,614,178 alleles (0.00012%); highest among the groups gnomAD compares: African/African-American, 0.0027%; no homozygotes.

Submission:

Labcorp Genetics (formerly Invitae), Labcorp
Classification: Uncertain significance for Dystonic disorder. Last evaluated: 2024-08-30. Review status: criteria provided, single submitter. Criteria: Invitae Variant Classification Sherloc (09022015). Collection method: clinical testing. Allele origin: germline.
Comment: This sequence change replaces glutamic acid, which is acidic and polar, with valine, which is neutral and non-polar, at codon 273 of the TOR1A protein (p.Glu273Val). This variant is present in population databases (no rsID available, gnomAD 0.007%). This variant has not been reported in the literature in individuals affected with TOR1A-related conditions. Invitae Evidence Modeling of protein sequence and biophysical properties (such as structural, functional, and spatial information, amino acid conservation, physicochemical variation, residue mobility, and thermodynamic stability) indicates that this missense variant is expected to disrupt TOR1A protein function with a positive predictive value of 80%. In summary, the available evidence is currently insufficient to determine the role of this variant in disease. Therefore, it has been classified as a Variant of Uncertain Significance.

NM_000113.3(TOR1A):c.818A>T (p.Glu273Val)

Gene: TOR1A (torsin family 1 member A; minus strand). Cytogenetic location: 9q34.11.
Variant type: single nucleotide variant.
Coding change: c.818A>T on transcript NM_000113.3 (MANE Select); coding-DNA position 818, A replaced by T.
Protein change: p.Glu273Val; replaces glutamic acid 273 with valine.
Molecular consequence: missense variant.
Genome position (GRCh38, 1-based): chr9:129,814,153, T>A on the plus strand (A>T on the coding strand, the complement: TOR1A is on the minus strand). VCF-style: chr9-129814153-T-A. GRCh37 (hg19) VCF-style: chr9-132576432-T-A.
Other names: short protein forms E273V.
Identifiers: ClinVar variation 3674175 (VCV003674175.2).
Genomic context (GRCh38, chr9:129,814,153, plus strand): 5'-TCAATTTCATAGCCTCGGGACTGCATTTCCACTCGGATACACATTTTTAGGTGTTTGTAT[T>A]CCAGGGGGAGGAAGGGAACAAAATAATCAATGAGGTTCCGGTCAATTAAGCTGCTGTGCC-3'
Protein context (NP_000104.1, residues 263-283): IDYFVPFLPL[Glu273Val]YKHLKMCIRV